The following is an entry in ClinVar:

ClinVar aggregate classification (germline): Uncertain significance (1 of 4 stars; one submission).

Conditions:
Cardiovascular phenotype. Identifiers: MedGen CN230736.

Allele frequency attached by ClinVar (database versions not stated): TOPMed below 0.00001.

Submission:

Ambry Genetics
Classification: Uncertain significance for Cardiovascular phenotype. Last evaluated: 2023-10-08. Review status: criteria provided, single submitter. Criteria: Ambry Variant Classification Scheme 2023. Collection method: clinical testing. Allele origin: germline.
Comment: The p.S523N variant (also known as c.1568G>A), located in coding exon 6 of the KCND3 gene, results from a G to A substitution at nucleotide position 1568. The serine at codon 523 is replaced by asparagine, an amino acid with highly similar properties. This amino acid position is conserved. In addition, this alteration is predicted to be tolerated by in silico analysis. Since supporting evidence is limited at this time, the clinical significance of this alteration remains unclear.

NM_001378969.1(KCND3):c.1568G>A (p.Ser523Asn)

Gene: KCND3 (potassium voltage-gated channel subfamily D member 3; minus strand). Cytogenetic location: 1p13.2.
Variant type: single nucleotide variant.
Coding change: c.1568G>A on transcript NM_001378969.1 (MANE Select); coding-DNA position 1568, G replaced by A.
Protein change: p.Ser523Asn; replaces serine 523 with asparagine.
Molecular consequence: missense variant.
Genome position (GRCh38, 1-based): chr1:111,777,224, C>T on the plus strand (G>A on the coding strand, the complement: KCND3 is on the minus strand). VCF-style: chr1-111777224-C-T. GRCh37 (hg19) VCF-style: chr1-112319846-C-T.
Other names: c.1511G>A, p.Ser504Asn (NM_001378970.1, NM_172198.3); c.1568G>A, p.Ser523Asn (NM_004980.5); short protein forms S504N, S523N.
Identifiers: ClinVar variation 3224544 (VCV003224544.1), dbSNP rs1167124096, ClinGen allele CA341657307.